The following is an entry in ClinVar:

ClinVar aggregate classification (germline): Uncertain significance (1 of 4 stars; one submission).

Conditions:
Multiple endocrine neoplasia, type 1 (MEN1). Also called: Endocrine adenomatosis multiple; MEN 1; MEA I; MEN I; WERMER SYNDROME. Identifiers: Orphanet 652, MedGen C0025267, MeSH D018761, MONDO:0007540, OMIM 131100.

Allele frequency attached by ClinVar (database versions not stated): gnomAD exomes below 0.00001.
gnomAD v4.1: 1 of 1,614,156 alleles (0.000062%); highest among the groups gnomAD compares: Non-Finnish European, 0.000085%; no homozygotes.

Submission:

Labcorp Genetics (formerly Invitae), Labcorp
Classification: Uncertain significance for Multiple endocrine neoplasia, type 1. Last evaluated: 2024-08-05. Review status: criteria provided, single submitter. Criteria: Invitae Variant Classification Sherloc (09022015). Collection method: clinical testing. Allele origin: germline.
Comment: This sequence change replaces leucine, which is neutral and non-polar, with methionine, which is neutral and non-polar, at codon 249 of the MEN1 protein (p.Leu249Met). This variant is not present in population databases (gnomAD no frequency). This variant has not been reported in the literature in individuals affected with MEN1-related conditions. ClinVar contains an entry for this variant (Variation ID: 1445437). Advanced modeling of protein sequence and biophysical properties (such as structural, functional, and spatial information, amino acid conservation, physicochemical variation, residue mobility, and thermodynamic stability) performed at Invitae indicates that this missense variant is expected to disrupt MEN1 protein function with a positive predictive value of 80%. In summary, the available evidence is currently insufficient to determine the role of this variant in disease. Therefore, it has been classified as a Variant of Uncertain Significance.

NM_001370259.2(MEN1):c.745C>A (p.Leu249Met)

Gene: MEN1 (menin 1; minus strand). Cytogenetic location: 11q13.1.
Variant type: single nucleotide variant.
Coding change: c.745C>A on transcript NM_001370259.2 (MANE Select); coding-DNA position 745, C replaced by A.
Protein change: p.Leu249Met; replaces leucine 249 with methionine.
Molecular consequence: missense variant.
Genome position (GRCh38, 1-based): chr11:64,807,590, G>T on the plus strand (C>A on the coding strand, the complement: MEN1 is on the minus strand). VCF-style: chr11-64807590-G-T. GRCh37 (hg19) VCF-style: chr11-64575062-G-T.
Other names: c.760C>A, p.Leu254Met (NM_000244.4, NM_130800.3, NM_130801.3 and 3 more transcripts); c.745C>A, p.Leu249Met (NM_001370251.2, NM_001370260.2, NM_001370261.2 and 1 more transcripts); c.640C>A, p.Leu214Met (NM_001370262.2, NM_001370263.2); short protein forms L249M, L254M, L214M.
Identifiers: ClinVar variation 1445437 (VCV001445437.8), dbSNP rs2136140837, ClinGen allele CA381184321.